The following is an entry in ClinVar:

NM_203447.4(DOCK8):c.3530G>C (p.Gly1177Ala)

Gene: DOCK8 (dedicator of cytokinesis 8; plus strand). Cytogenetic location: 9p24.3.
Variant type: single nucleotide variant.
Coding change: c.3530G>C on transcript NM_203447.4 (MANE Select); coding-DNA position 3530, G replaced by C.
Protein change: p.Gly1177Ala; replaces glycine 1177 with alanine.
Molecular consequence: missense variant.
Genome position (GRCh38, 1-based): chr9:407,069, G>C. VCF-style: chr9-407069-G-C. GRCh37 (hg19) VCF-style: chr9-407069-G-C.
Other names: c.3230G>C, p.Gly1077Ala (NM_001190458.2); c.3326G>C, p.Gly1109Ala (NM_001193536.2); short protein forms G1177A, G1109A, G1077A.
Identifiers: ClinVar variation 963202 (VCV000963202.10), dbSNP rs117350404, ClinGen allele CA372758602.

ClinVar aggregate classification (germline): Uncertain significance (1 of 4 stars; one submission).

Conditions:
Combined immunodeficiency due to DOCK8 deficiency (HIES2). Also called: HIES autosomal recessive; DOCK8 Deficiency; Hyper-IgE recurrent infection syndrome, autosomal recessive; HYPER-IgE RECURRENT INFECTION SYNDROME 2, AUTOSOMAL RECESSIVE; HYPER-IgE SYNDROME 2, AUTOSOMAL RECESSIVE, WITH RECURRENT INFECTIONS. Identifiers: Orphanet 217390, MedGen C4722305, MONDO:0009478, OMIM 243700.

Allele frequency attached by ClinVar (database versions not stated): gnomAD 0.00001; TOPMed 0.00001.
gnomAD v4.1: 2 of 1,613,836 alleles (0.00012%); highest among the groups gnomAD compares: African/African-American, 0.0027%; no homozygotes.

Submission:

Labcorp Genetics (formerly Invitae), Labcorp
Classification: Uncertain significance for Combined immunodeficiency due to DOCK8 deficiency. Last evaluated: 2019-09-30. Review status: criteria provided, single submitter. Criteria: Invitae Variant Classification Sherloc (09022015). Collection method: clinical testing. Allele origin: germline.
Comment: This variant is not present in population databases (ExAC no frequency). In summary, the available evidence is currently insufficient to determine the role of this variant in disease. Therefore, it has been classified as a Variant of Uncertain Significance. Nucleotide substitutions within the consensus splice site are a relatively common cause of aberrant splicing (PMID: 17576681, 9536098). Algorithms developed to predict the effect of sequence changes on RNA splicing suggest that this variant may disrupt the consensus splice site, but this prediction has not been confirmed by published transcriptional studies. Algorithms developed to predict the effect of missense changes on protein structure and function are either unavailable or do not agree on the potential impact of this missense change (SIFT: "Deleterious"; PolyPhen-2: "Possibly Damaging"; Align-GVGD: "Class C0"). This variant has not been reported in the literature in individuals with DOCK8-related conditions. This sequence change replaces glycine with alanine at codon 1177 of the DOCK8 protein (p.Gly1177Ala). The glycine residue is highly conserved and there is a small physicochemical difference between glycine and alanine. This variant also falls at the last nucleotide of exon 28 of the DOCK8 coding sequence, which is part of the consensus splice site for this exon.

Literature cited by the submitters: PubMed 17576681; PubMed 9536098.